The following is an entry in ClinVar:

NM_001035.3(RYR2):c.2122G>A (p.Gly708Arg)

Gene: RYR2 (ryanodine receptor 2; plus strand). Cytogenetic location: 1q43.
Variant type: single nucleotide variant.
Coding change: c.2122G>A on transcript NM_001035.3 (MANE Select); coding-DNA position 2122, G replaced by A.
Protein change: p.Gly708Arg; replaces glycine 708 with arginine.
Molecular consequence: missense variant.
Genome position (GRCh38, 1-based): chr1:237,496,671, G>A. VCF-style: chr1-237496671-G-A. GRCh37 (hg19) VCF-style: chr1-237659971-G-A.
Other names: short protein forms G708R.
Identifiers: ClinVar variation 927750 (VCV000927750.11), dbSNP rs1235629482, ClinGen allele CA345392019.

ClinVar aggregate classification (germline): Uncertain significance. Review status: criteria provided, multiple submitters, no conflicts (2 of 4 stars). 3 submissions from 3 submitters: Uncertain significance (3). Last evaluated 2024-08-30.

Conditions:
Catecholaminergic polymorphic ventricular tachycardia (CVPT). Also called: Catecholamine-induced polymorphic ventricular tachycardia. Identifiers: Orphanet 3286, MedGen C5574922, MONDO:0017990.
Catecholaminergic polymorphic ventricular tachycardia 1. Also called: VENTRICULAR TACHYCARDIA, CATECHOLAMINERGIC POLYMORPHIC, 1, WITH OR WITHOUT ATRIAL DYSFUNCTION AND/OR DILATED CARDIOMYOPATHY; VENTRICULAR TACHYCARDIA, STRESS-INDUCED POLYMORPHIC 1; RYR2-Related Catecholaminergic Polymorphic Ventricular Tachycardia. Identifiers: Orphanet 3286, MedGen C1631597, MONDO:0011484, OMIM 604772.
Cardiomyopathy (CMYO). Also called: Cardiomyopathies. Identifiers: Orphanet 167848, MedGen C0878544, MONDO:0004994, HP:0001638. Inheritance: Various modes of inheritance.

Allele frequency attached by ClinVar (database versions not stated): gnomAD exomes below 0.00001.
gnomAD v4.1: 1 of 1,613,982 alleles (0.000062%); highest among the groups gnomAD compares: Non-Finnish European, 0.000085%; no homozygotes.

Submissions (3):

All of Us Research Program, National Institutes of Health
Classification: Uncertain significance for Catecholaminergic polymorphic ventricular tachycardia. Last evaluated: 2024-08-30. Review status: criteria provided, single submitter. Criteria: ACMG Guidelines, 2015. Collection method: clinical testing. Allele origin: germline. Inheritance: Autosomal dominant inheritance. Observed: 5 variant alleles, 5 heterozygotes.
Comment: Variant of Uncertain Significance due to insufficient evidence: This missense variant replaces glycine with arginine at codon 708 of the RYR2 protein. Computational prediction tools and conservation analyses suggest that this variant may have deleterious impact on the protein function. Computational splicing tools suggest that this variant may not impact RNA splicing. To our knowledge, functional assays have not been performed for this variant nor has this variant been reported in individuals affected with cardiovascular disorders in the literature. This variant has been identified in 1/249268 chromosomes in the general population by the Genome Aggregation Database (gnomAD). Available evidence is insufficient to determine the role of this variant in disease conclusively.

This study involves interpretation of variants in research participants for the purpose of population health screening. Participant phenotype was not available at the time of variant classification. Additional details can be found in publication PMID: 35346344, PMCID: PMC8962531

Color Diagnostics, LLC DBA Color Health
Classification: Uncertain significance for Cardiomyopathy. Last evaluated: 2024-08-23. Review status: criteria provided, single submitter. Criteria: ACMG Guidelines, 2015. Collection method: clinical testing. Allele origin: germline.
Comment: This missense variant replaces glycine with arginine at codon 708 of the RYR2 protein. Computational prediction suggests that this variant may have deleterious impact on protein structure and function. To our knowledge, functional studies have not been reported for this variant. This variant has not been reported in individuals affected with RYR2-related disorders in the literature. This variant has been identified in 1/249268 chromosomes in the general population by the Genome Aggregation Database (gnomAD). The available evidence is insufficient to determine the role of this variant in disease conclusively. Therefore, this variant is classified as a Variant of Uncertain Significance.

Labcorp Genetics (formerly Invitae), Labcorp
Classification: Uncertain significance for Catecholaminergic polymorphic ventricular tachycardia 1. Last evaluated: 2023-02-22. Review status: criteria provided, single submitter. Criteria: Invitae Variant Classification Sherloc (09022015). Collection method: clinical testing. Allele origin: germline.
Comment: In summary, the available evidence is currently insufficient to determine the role of this variant in disease. Therefore, it has been classified as a Variant of Uncertain Significance. Algorithms developed to predict the effect of sequence changes on RNA splicing suggest that this variant may create or strengthen a splice site. Advanced modeling of protein sequence and biophysical properties (such as structural, functional, and spatial information, amino acid conservation, physicochemical variation, residue mobility, and thermodynamic stability) has been performed at Invitae for this missense variant, however the output from this modeling did not meet the statistical confidence thresholds required to predict the impact of this variant on RYR2 protein function. ClinVar contains an entry for this variant (Variation ID: 927750). This variant has not been reported in the literature in individuals affected with RYR2-related conditions. This variant is present in population databases (no rsID available, gnomAD 0.0009%). This sequence change replaces glycine, which is neutral and non-polar, with arginine, which is basic and polar, at codon 708 of the RYR2 protein (p.Gly708Arg).